The following is an entry in ClinVar:

NM_001330311.2(DVL1):c.1339+3G>A

Gene: DVL1 (dishevelled segment polarity protein 1; minus strand). Cytogenetic location: 1p36.33.
Variant type: single nucleotide variant.
Coding change: c.1339+3G>A on transcript NM_001330311.2 (MANE Select); 3 bases into the intron after coding-DNA position 1339, G replaced by A.
Molecular consequence: intron variant.
Genome position (GRCh38, 1-based): chr1:1,338,519, C>T on the plus strand (G>A on the coding strand, the complement: DVL1 is on the minus strand). VCF-style: chr1-1338519-C-T. GRCh37 (hg19) VCF-style: chr1-1273899-C-T.
Other names: c.1264+3G>A (NM_004421.3).
Identifiers: ClinVar variation 3608630 (VCV003608630.2).
Genomic context (GRCh38, chr1:1,338,519, plus strand): 5'-CCGCAGCCTCGAGGCAAGCAGCCCTGCCCCTGGCACTATCCGCCCGCGGGGACGGCCACT[C>T]ACCGATGACGGCATTGGCGATGGTGATCTTGAGCCACATGCGGTCGCGGATCTCCAGTCC-3'

ClinVar aggregate classification (germline): Uncertain significance (1 of 4 stars; one submission).

gnomAD v4.1: 2 of 1,612,350 alleles (0.00012%); highest among the groups gnomAD compares: Admixed American, 0.0033%; no homozygotes.

Submission:

Labcorp Genetics (formerly Invitae), Labcorp
Classification: Uncertain significance. Last evaluated: 2024-02-22. Review status: criteria provided, single submitter. Criteria: Invitae Variant Classification Sherloc (09022015). Collection method: clinical testing. Allele origin: germline.
Comment: This sequence change falls in intron 12 of the DVL1 gene. It does not directly change the encoded amino acid sequence of the DVL1 protein. It affects a nucleotide within the consensus splice site. This variant is present in population databases (no rsID available, gnomAD 0.003%). This variant has not been reported in the literature in individuals affected with DVL1-related conditions. Variants that disrupt the consensus splice site are a relatively common cause of aberrant splicing (PMID: 17576681, 9536098). Algorithms developed to predict the effect of sequence changes on RNA splicing suggest that this variant is not likely to affect RNA splicing. In summary, the available evidence is currently insufficient to determine the role of this variant in disease. Therefore, it has been classified as a Variant of Uncertain Significance.

Literature cited by the submitters: PubMed 17576681; PubMed 9536098.